The following is an entry in ClinVar:

ClinVar aggregate classification (germline): Uncertain significance. Review status: criteria provided, multiple submitters, no conflicts (2 of 4 stars). 2 submissions from 2 submitters: Uncertain significance (2). Last evaluated 2026-07-01.

Conditions:
Familial thoracic aortic aneurysm and aortic dissection (TAAD). Also called: Thoracic aortic aneurysms and dissections. Identifiers: Orphanet 91387, MedGen C4707243, MONDO:0019625.

gnomAD v4.1: 1 of 1,614,114 alleles (0.000062%); no homozygotes.

Submissions (2):

Ambry Genetics
Classification: Uncertain significance for Familial thoracic aortic aneurysm and aortic dissection. Last evaluated: 2026-07-01. Review status: criteria provided, single submitter. Criteria: Ambry Variant Classification Scheme 2023. Collection method: clinical testing. Allele origin: germline.
Comment: The p.L310F variant (also known as c.928C>T), located in coding exon 8 of the MYH11 gene, results from a C to T substitution at nucleotide position 928. The leucine at codon 310 is replaced by phenylalanine, an amino acid with highly similar properties. This amino acid position is conserved. In addition, this alteration is predicted to be deleterious by in silico analysis. Based on the available evidence, the clinical significance of this variant remains unclear.

Color Diagnostics, LLC DBA Color Health
Classification: Uncertain significance for Familial thoracic aortic aneurysm and aortic dissection. Last evaluated: 2024-03-06. Review status: criteria provided, single submitter. Criteria: ACMG Guidelines, 2015. Collection method: clinical testing. Allele origin: germline.
Comment: This missense variant replaces leucine with phenylalanine at codon 317 of the MYH11 protein. Computational prediction suggests that this variant may have deleterious impact on protein structure and function (internally defined REVEL score threshold >= 0.7, PMID: 27666373). To our knowledge, functional studies have not been reported for this variant. This variant has not been reported in individuals affected with cardiovascular disorders in the literature. This variant has not been identified in the general population by the Genome Aggregation Database (gnomAD). The available evidence is insufficient to determine the role of this variant in disease conclusively. Therefore, this variant is classified as a Variant of Uncertain Significance.

NM_002474.3(MYH11):c.928C>T (p.Leu310Phe)

Gene: MYH11 (myosin heavy chain 11; minus strand). Cytogenetic location: 16p13.11.
Variant type: single nucleotide variant.
Coding change: c.928C>T on transcript NM_002474.3 (MANE Select); coding-DNA position 928, C replaced by T.
Protein change: p.Leu310Phe; replaces leucine 310 with phenylalanine.
Molecular consequence: missense variant.
Genome position (GRCh38, 1-based): chr16:15,771,674, G>A on the plus strand (C>T on the coding strand, the complement: MYH11 is on the minus strand). VCF-style: chr16-15771674-G-A. GRCh37 (hg19) VCF-style: chr16-15865531-G-A.
Other names: c.949C>T, p.Leu317Phe (NM_001040113.2, NM_001040114.2); c.928C>T, p.Leu310Phe (NM_022844.3); c.928C>T (NM_002474.2); short protein forms L310F, L317F.
Identifiers: ClinVar variation 1171258 (VCV001171258.4), dbSNP rs2151291395, ClinGen allele CA394868029.
Genomic context (GRCh38, chr16:15,771,674, plus strand): 5'-CGGTTTCCTGGAACATCTCATCATCCTGGGCTGCTGGGATGGGCACAAAGCCATTGGAGA[G>A]GAAGGTGTAGTTGTTGAAGCCCTCCAAAAGCAAGTCACCTAGAAGGAGAGGAAGACAGGT-3'
Protein context (NP_002465.1, residues 300-320): LLEGFNNYTF[Leu310Phe]SNGFVPIPAA